The following is an entry in ClinVar:

ClinVar aggregate classification (germline): Likely benign (1 of 4 stars; one submission).

Conditions:
RPGR-related disorder. Also called: RPGR-related condition.

Submission:

PreventionGenetics, part of Exact Sciences
Classification: Likely benign for RPGR-related condition. Last evaluated: 2026-03-12. Review status: criteria provided, single submitter. Criteria: ACMG Guidelines, 2015. Collection method: clinical testing. Allele origin: germline.
Comment: This variant is classified as likely benign based on ACMG/AMP sequence variant interpretation guidelines (Richards et al. 2015 PMID: 25741868, with internal and published modifications).

NM_001034853.2(RPGR):c.2910_2915del (p.970GE[2])

Gene: RPGR (retinitis pigmentosa GTPase regulator; minus strand). Cytogenetic location: Xp11.4.
Variant type: Deletion.
Coding change: c.2910_2915del on transcript NM_001034853.2 (MANE Select); coding-DNA positions 2910 to 2915, 6 bases deleted (AGAAGG; older notation c.2910_2915delAGAAGG).
Protein change: p.970GE[2].
Molecular consequence: inframe deletion. On other transcripts: intron variant (8).
Genome position (GRCh38, 1-based): chrX:38,286,084-38,286,089, CCTTCT deleted on the plus strand (AGAAGG on the coding strand, the reverse complement: RPGR is on the minus strand); deleting any 6 consecutive bases within chrX:38,286,084-38,286,094 gives the same sequence; the c. name uses the placement nearest the transcript's 3' end. VCF-style (leftmost placement, unchanged base first): chrX-38286083-CCCTTCT-C. GRCh37 (hg19) VCF-style: chrX-38145336-CCCTTCT-C.
Other names: c.1569+4870_1569+4875del (NM_001367249.1, NM_001367250.1); c.1902+1005_1902+1010del (NM_001367245.1); c.1386+4870_1386+4875del (NM_001367251.1); c.1719+1005_1719+1010del (NM_001367246.1); c.1572+4870_1572+4875del (NM_001367247.1); c.1905+1005_1905+1010del (NM_000328.3); c.1602+4870_1602+4875del (NM_001367248.1).
Identifiers: ClinVar variation 4983945 (VCV004983945.1).
Genomic context (GRCh38, chrX:38,286,083, plus strand): 5'-CTCTTCCCCCTCCCCTTCTCCTTCCTCCTCTTCCCCCTCCCCTTCTCCTTCCTCCCCTTC[CCCTTCT>C]CCTTCCTCTTCCCCCTCCCCTTCTCCTTCCTCCTCTTCCCCCTCCCATTCTCCTTCCTCC-3'